The following is an entry in ClinVar:

NM_006269.2(RP1):c.3244C>T (p.Leu1082Phe)

Gene: RP1 (RP1 axonemal microtubule associated; plus strand). Cytogenetic location: 8q12.1.
Variant type: single nucleotide variant.
Coding change: c.3244C>T on transcript NM_006269.2 (MANE Select); coding-DNA position 3244, C replaced by T.
Protein change: p.Leu1082Phe; replaces leucine 1082 with phenylalanine.
Molecular consequence: missense variant. On other transcripts: intron variant (1).
Genome position (GRCh38, 1-based): chr8:54,627,126, C>T. VCF-style: chr8-54627126-C-T. GRCh37 (hg19) VCF-style: chr8-55539686-C-T.
Other names: c.787+4838C>T (NM_001375654.1); short protein forms L1082F.
Identifiers: ClinVar variation 4070700 (VCV004070700.1).

ClinVar aggregate classification (germline): Uncertain significance (1 of 4 stars; one submission).

Submission:

GeneDx
Classification: Uncertain significance. Last evaluated: 2025-01-15. Review status: criteria provided, single submitter. Criteria: GeneDx Variant Classification Process June 2021. Collection method: clinical testing. Allele origin: germline. Affected: yes.
Comment: Not observed at significant frequency in large population cohorts (gnomAD); In silico analysis indicates that this missense variant does not alter protein structure/function; Has not been previously published as pathogenic or benign to our knowledge